The following is an entry in ClinVar:

ClinVar aggregate classification (germline): Uncertain significance (1 of 4 stars; one submission).

Conditions:
Desmin-related myofibrillar myopathy (MFM1). Also called: MYOFIBRILLAR MYOPATHY WITH ARRHYTHMOGENIC RIGHT VENTRICULAR CARDIOMYOPATHY; DESMIN-RELATED MYOPATHY WITH ARRHYTHMOGENIC RIGHT VENTRICULAR CARDIOMYOPATHY; Desmin related myopathy (former name); Desmin storage myopathy (former name); Desminopathy; Myofibrillar myopathy 1. Identifiers: Orphanet 363543, Orphanet 98909, MedGen C1832370, MONDO:0011076, OMIM 601419.

Allele frequency attached by ClinVar (database versions not stated): gnomAD exomes below 0.00001.
gnomAD v4.1: 2 of 1,562,570 alleles (0.00013%); highest among the groups gnomAD compares: Middle Eastern, 0.017%; no homozygotes.

Submission:

Labcorp Genetics (formerly Invitae), Labcorp
Classification: Uncertain significance for Desmin-related myofibrillar myopathy. Last evaluated: 2022-08-06. Review status: criteria provided, single submitter. Criteria: Invitae Variant Classification Sherloc (09022015). Collection method: clinical testing. Allele origin: germline.
Comment: This sequence change replaces aspartic acid, which is acidic and polar, with alanine, which is neutral and non-polar, at codon 90 of the DES protein (p.Asp90Ala). This variant is not present in population databases (gnomAD no frequency). This variant has not been reported in the literature in individuals affected with DES-related conditions. ClinVar contains an entry for this variant (Variation ID: 1504330). Algorithms developed to predict the effect of missense changes on protein structure and function are either unavailable or do not agree on the potential impact of this missense change (SIFT: "Tolerated"; PolyPhen-2: "Probably Damaging"; Align-GVGD: "Class C0"). In summary, the available evidence is currently insufficient to determine the role of this variant in disease. Therefore, it has been classified as a Variant of Uncertain Significance.

NM_001927.4(DES):c.269A>C (p.Asp90Ala)

Gene: DES (desmin; plus strand). Cytogenetic location: 2q35.
Variant type: single nucleotide variant.
Coding change: c.269A>C on transcript NM_001927.4 (MANE Select); coding-DNA position 269, A replaced by C.
Protein change: p.Asp90Ala; replaces aspartic acid 90 with alanine.
Molecular consequence: missense variant.
Genome position (GRCh38, 1-based): chr2:219,418,731, A>C. VCF-style: chr2-219418731-A-C. GRCh37 (hg19) VCF-style: chr2-220283453-A-C.
Other names: c.269A>C, p.Asp90Ala (NM_001382708.1, NM_001382709.1, NM_001382710.1 and 3 more transcripts); short protein forms D90A.
Identifiers: ClinVar variation 1504330 (VCV001504330.5), dbSNP rs1954369708, ClinGen allele CA350684713.
Genomic context (GRCh38, chr2:219,418,731, plus strand): 5'-GGGCCAGCCGGCTGGGGACCACCCGCACGCCCTCCTCCTACGGCGCAGGCGAGCTGCTGG[A>C]CTTCTCACTGGCCGACGCGGTGAACCAGGAGTTTCTGACCACGCGCACCAACGAGAAGGT-3'
Protein context (NP_001918.3, residues 80-100): PSSYGAGELL[Asp90Ala]FSLADAVNQE